The following is an entry in ClinVar:

ClinVar aggregate classification (germline): Uncertain significance. Review status: criteria provided, multiple submitters, no conflicts (2 of 4 stars). 2 submissions from 2 submitters: Uncertain significance (2). Last evaluated 2026-04-01.

Conditions:
PLXNA3-related disorder. Also called: PLXNA3-related condition.
Hypogonadotropic hypogonadism. Also called: Low gonadotropins (secondary hypogonadism); Hypogonadotrophic hypogonadism; Isolated hypogonadotropic hypogonadism; Hypogonadotropic hypogonadism with or without anosmia. Identifiers: Orphanet 432, MedGen C0271623, MONDO:0018555, HP:0000044.

Allele frequency attached by ClinVar (database versions not stated): TOPMed below 0.00001; gnomAD exomes 0.00006; ExAC 0.00007; ESP Exome Variant Server 0.00009.

Submissions (2):

PreventionGenetics, part of Exact Sciences
Classification: Uncertain significance for PLXNA3-related condition. Last evaluated: 2026-04-01. Review status: criteria provided, single submitter. Criteria: ACMG Guidelines, 2015. Collection method: clinical testing. Allele origin: germline.
Comment: The PLXNA3 c.4075C>T variant is predicted to result in the amino acid substitution p.Arg1359Cys. This variant was reported in the heterozygous state in an individual with obesity and delayed/absent puberty (Kotan et al. 2021. PubMed ID: 33495532). This variant is reported in 0.0076% of alleles in individuals of European (Non-Finnish) descent in gnomAD v2, as displayed in the table above. Of note, in gnomAD v4 (available only on GRCh38), this variant is reported in six hemizygotes. At this time, the clinical significance of this variant is uncertain due to the absence of conclusive functional and genetic evidence.

Department of Pediatric Endocrinology, Cukurova University Medical Faculty
Classification: Uncertain significance for Hypogonadotropic hypogonadism with or without anosmia. Review status: criteria provided, single submitter. Criteria: ACMG Guidelines, 2015. Collection method: research. Allele origin: unknown. Inheritance: Oligogenic inheritance. Affected: yes. Observed: 1 heterozygote.

NM_017514.5(PLXNA3):c.4075C>T (p.Arg1359Cys)

Gene: PLXNA3 (plexin A3; plus strand). Cytogenetic location: Xq28.
Variant type: single nucleotide variant.
Coding change: c.4075C>T on transcript NM_017514.5 (MANE Select); coding-DNA position 4075, C replaced by T.
Protein change: p.Arg1359Cys; replaces arginine 1359 with cysteine.
Molecular consequence: missense variant.
Genome position (GRCh38, 1-based): chrX:154,468,414, C>T. VCF-style: chrX-154468414-C-T. GRCh37 (hg19) VCF-style: chrX-153696757-C-T.
Other names: c.4075C>T (NM_017514.4); short protein forms R1359C.
Identifiers: ClinVar variation 982053 (VCV000982053.3), dbSNP rs150035406, ClinGen allele CA10564796.